The following is an entry in ClinVar:

ClinVar aggregate classification (germline): Uncertain significance (1 of 4 stars; one submission).

Submission:

GeneDx
Classification: Uncertain significance. Last evaluated: 2019-05-17. Review status: criteria provided, single submitter. Criteria: GeneDx Variant Classification Process June 2021. Collection method: clinical testing. Allele origin: germline. Affected: yes.
Comment: Not observed in large population cohorts (Lek et al., 2016); In silico analysis, which includes protein predictors and evolutionary conservation, supports a deleterious effect; Has not been previously published as pathogenic or benign to our knowledge

NM_001291303.3(FAT4):c.7601C>T (p.Ser2534Leu)

Gene: FAT4 (FAT atypical cadherin 4; plus strand). Cytogenetic location: 4q28.1.
Variant type: single nucleotide variant.
Coding change: c.7601C>T on transcript NM_001291303.3 (MANE Select); coding-DNA position 7601, C replaced by T.
Protein change: p.Ser2534Leu; replaces serine 2534 with leucine.
Molecular consequence: missense variant.
Genome position (GRCh38, 1-based): chr4:125,448,611, C>T. VCF-style: chr4-125448611-C-T. GRCh37 (hg19) VCF-style: chr4-126369766-C-T.
Other names: c.7601C>T, p.Ser2534Leu (NM_001291285.3); c.7595C>T, p.Ser2532Leu (NM_024582.6); short protein forms S2532L, S2534L.
Identifiers: ClinVar variation 1302152 (VCV001302152.2), dbSNP rs2126056821, ClinGen allele CA358140562.
Genomic context (GRCh38, chr4:125,448,611, plus strand): 5'-AATTTCACATTGACCCACTGAGGGGAGCCATTATGGCCGCCGGACCACTAAACGGAGCTT[C>T]AGAAGTGACATTTTCTGTGCATGTAAAAGATGGTGGCTCATTTCCAAAGACAGATTCTAC-3'
Protein context (NP_001278232.1, residues 2524-2544): IMAAGPLNGA[Ser2534Leu]EVTFSVHVKD